The following is an entry in ClinVar:

ClinVar aggregate classification (germline): Uncertain significance (1 of 4 stars; one submission).

Conditions:
Epidermolysis bullosa simplex with nail dystrophy (EBS5D). Identifiers: MedGen C4225309, MONDO:0014661, OMIM 616487.
Autosomal recessive limb-girdle muscular dystrophy type 2Q (LGMDR17). Also called: MUSCULAR DYSTROPHY, LIMB-GIRDLE, AUTOSOMAL RECESSIVE 17. Identifiers: Orphanet 254361, MedGen C3150989, MONDO:0013390, OMIM 613723.
Epidermolysis bullosa simplex 5C, with pyloric atresia (EBS5C). Also called: PLEC1-Related Epidermolysis Bullosa with Pyloric Atresia; PLEC-Related Epidermolysis Bullosa with Pyloric Atresia; Epidermolysis bullosa simplex with pyloric atresia. Identifiers: Orphanet 158684, MedGen C2677349, MONDO:0012807, OMIM 612138.
Epidermolysis bullosa simplex 5B, with muscular dystrophy (EBS5B). Also called: Epidermolysis bullosa simplex with muscular dystrophy; EPIDERMOLYSIS BULLOSA SIMPLEX AND LIMB-GIRDLE MUSCULAR DYSTROPHY. Identifiers: Orphanet 257, MedGen C2931072, MONDO:0009181, OMIM 226670.
Epidermolysis bullosa simplex, Ogna type (EBS5A). Also called: EPIDERMOLYSIS BULLOSA SIMPLEX 5A, OGNA TYPE; Pidermolysis bullosa simplex 5A, Ogna type. Identifiers: Orphanet 79401, MedGen C0432317, MONDO:0007555, OMIM 131950.

Allele frequency attached by ClinVar (database versions not stated): gnomAD exomes below 0.00001.
gnomAD v4.1: 1 of 1,610,096 alleles (0.000062%); no homozygotes.

Submission:

Labcorp Genetics (formerly Invitae), Labcorp
Classification: Uncertain significance for Autosomal recessive limb-girdle muscular dystrophy type 2Q; Epidermolysis bullosa simplex, Ogna type; Epidermolysis bullosa simplex with nail dystrophy; Epidermolysis bullosa simplex 5C, with pyloric atresia; Epidermolysis bullosa simplex 5B, with muscular dystrophy. Last evaluated: 2023-09-21. Review status: criteria provided, single submitter. Criteria: Invitae Variant Classification Sherloc (09022015). Collection method: clinical testing. Allele origin: germline.
Comment: This variant has not been reported in the literature in individuals affected with PLEC-related conditions. Algorithms developed to predict the effect of missense changes on protein structure and function output the following: SIFT: "Not Available"; PolyPhen-2: "Benign"; Align-GVGD: "Not Available". The serine amino acid residue is found in multiple mammalian species, which suggests that this missense change does not adversely affect protein function. In summary, the available evidence is currently insufficient to determine the role of this variant in disease. Therefore, it has been classified as a Variant of Uncertain Significance. This variant is not present in population databases (gnomAD no frequency). This sequence change replaces threonine, which is neutral and polar, with serine, which is neutral and polar, at codon 3104 of the PLEC protein (p.Thr3104Ser).

NM_201384.3(PLEC):c.9229A>T (p.Thr3077Ser)

Gene: PLEC (plectin; minus strand). Cytogenetic location: 8q24.3.
Variant type: single nucleotide variant.
Coding change: c.9229A>T on transcript NM_201384.3 (MANE Select); coding-DNA position 9229, A replaced by T.
Protein change: p.Thr3077Ser; replaces threonine 3077 with serine.
Molecular consequence: missense variant.
Genome position (GRCh38, 1-based): chr8:143,920,592, T>A on the plus strand (A>T on the coding strand, the complement: PLEC is on the minus strand). VCF-style: chr8-143920592-T-A. GRCh37 (hg19) VCF-style: chr8-144994760-T-A.
Other names: c.9310A>T, p.Thr3104Ser (NM_000445.5); c.5929A>T, p.Thr1977Ser (NM_001410941.1); c.9187A>T, p.Thr3063Ser (NM_201378.4); c.9163A>T, p.Thr3055Ser (NM_201379.3); c.9640A>T, p.Thr3214Ser (NM_201380.4); c.9133A>T, p.Thr3045Ser (NM_201381.3); c.9229A>T, p.Thr3077Ser (NM_201382.4); c.9241A>T, p.Thr3081Ser (NM_201383.3); short protein forms T3045S, T3104S, T3063S, T3077S, T3214S, T3055S, T3081S, T1977S.
Identifiers: ClinVar variation 2952131 (VCV002952131.3), dbSNP rs2537381793, ClinGen allele CA372513220.
Genomic context (GRCh38, chr8:143,920,592, plus strand): 5'-ATAGCAGCTTCTCATGAAACTCGGGGCCCACCAGGCCAGCACGCACTGCCTCGTCCACGG[T>A]CAGCCGGGCGCTGGTGGCGGGGTCGATGATGTGCCCGGTGCCGGCCTGGGCTTCCAACAG-3'
Protein context (NP_958786.1, residues 3067-3087): IIDPATSARL[Thr3077Ser]VDEAVRAGLV